The following is an entry in ClinVar:

NM_001080449.3(DNA2):c.65C>G (p.Pro22Arg)

Gene: DNA2 (DNA replication helicase/nuclease 2; minus strand). Cytogenetic location: 10q21.3.
Variant type: single nucleotide variant.
Coding change: c.65C>G on transcript NM_001080449.3 (MANE Select); coding-DNA position 65, C replaced by G.
Protein change: p.Pro22Arg; replaces proline 22 with arginine.
Molecular consequence: missense variant. On other transcripts: non-coding transcript variant (1).
Genome position (GRCh38, 1-based): chr10:68,471,800, G>C on the plus strand (C>G on the coding strand, the complement: DNA2 is on the minus strand). VCF-style: chr10-68471800-G-C. GRCh37 (hg19) VCF-style: chr10-70231557-G-C.
Other names: c.65C>G (NM_001080449.2); short protein forms P22R.
Identifiers: ClinVar variation 1715871 (VCV001715871.6), dbSNP rs779404104, ClinGen allele CA5525412.

ClinVar aggregate classification (germline): Uncertain significance. Review status: criteria provided, multiple submitters, no conflicts (2 of 4 stars). 2 submissions from 2 submitters: Uncertain significance (2). Last evaluated 2024-10-30.

Conditions:
Inborn genetic diseases. Identifiers: MedGen C0950123, MeSH D030342.

Allele frequency attached by ClinVar (database versions not stated): ExAC 0.00001.
gnomAD v4.1: 1 of 1,600,250 alleles (0.000062%); highest among the groups gnomAD compares: Non-Finnish European, 0.000085%; no homozygotes.

Submissions (2):

Labcorp Genetics (formerly Invitae), Labcorp
Classification: Uncertain significance. Last evaluated: 2024-10-30. Review status: criteria provided, single submitter. Criteria: Invitae Variant Classification Sherloc (09022015). Collection method: clinical testing. Allele origin: germline.
Comment: This sequence change replaces proline, which is neutral and non-polar, with arginine, which is basic and polar, at codon 22 of the DNA2 protein (p.Pro22Arg). This variant is present in population databases (rs779404104, gnomAD 0.0009%). This variant has not been reported in the literature in individuals affected with DNA2-related conditions. ClinVar contains an entry for this variant (Variation ID: 1715871). An algorithm developed to predict the effect of missense changes on protein structure and function outputs the following: PolyPhen-2: "Not Available". The arginine amino acid residue is found in multiple mammalian species, which suggests that this missense change does not adversely affect protein function. In summary, the available evidence is currently insufficient to determine the role of this variant in disease. Therefore, it has been classified as a Variant of Uncertain Significance.

Ambry Genetics
Classification: Uncertain significance for Inborn genetic diseases. Last evaluated: 2024-08-20. Review status: criteria provided, single submitter. Criteria: Ambry Variant Classification Scheme 2023. Collection method: clinical testing. Allele origin: germline.